The following is an entry in ClinVar:

ClinVar aggregate classification (germline): Pathogenic/Likely pathogenic. Review status: criteria provided, multiple submitters, no conflicts (2 of 4 stars). 19 submissions from 17 submitters: Pathogenic (9); Likely pathogenic (4). 6 of the submissions do not count toward it. Last evaluated 2024-11-08.

Conditions:
WFS1-related disorder. Identifiers: MedGen CN379391, MONDO:0700293.
Rare genetic deafness. Identifiers: Orphanet 96210, MedGen C5680250.
Autosomal dominant nonsyndromic hearing loss. Also called: Rare autosomal dominant non-syndromic sensorineural deafness type DFNA. Identifiers: Orphanet 90635, MedGen C5779548, MONDO:0019587.
Retinal dystrophy. Also called: Inherited retinal dystrophy. Identifiers: Orphanet 71862, MedGen C0854723, MeSH D058499, MONDO:0019118, HP:0000556.
Nonsyndromic genetic hearing loss. Also called: Nonsyndromic hearing loss and deafness; Nonsyndromic genetic deafness; Non-syndromic genetic deafness. Identifiers: Orphanet 87884, MedGen C5680182, MONDO:0019497.
Wolfram-like syndrome. Also called: HEARING LOSS, PROGRESSIVE, WITH OPTIC ATROPHY AND/OR IMPAIRED GLUCOSE REGULATION. Identifiers: Orphanet 411590, MedGen C3280358, MONDO:0013673, OMIM 614296.
Wolfram syndrome 1 (WFS1). Identifiers: Orphanet 3463, MedGen C4551693, MONDO:0009101, OMIM 222300.
Autosomal dominant nonsyndromic hearing loss 6 (LFSNHL). Also called: DEAFNESS, AUTOSOMAL DOMINANT 6; DEAFNESS, AUTOSOMAL DOMINANT 14; DEAFNESS, AUTOSOMAL DOMINANT 38; Autosomal dominant nonsyndromic deafness 6. Identifiers: Orphanet 90635, MedGen C1833021, MONDO:0010963, OMIM 600965.

Submissions (19):

Center for Statistical Genetics, Columbia University
Classification: Likely pathogenic for Autosomal dominant nonsyndromic hearing loss. Last evaluated: 2024-11-08. Review status: criteria provided, single submitter. Criteria: ACMG Guidelines, 2015. Collection method: research. Allele origin: germline. Inheritance: Autosomal dominant inheritance. Affected: yes. Observed: 2 heterozygotes.

Labcorp Genetics (formerly Invitae), Labcorp
Classification: Pathogenic. Last evaluated: 2024-11-02. Review status: criteria provided, single submitter. Criteria: Invitae Variant Classification Sherloc (09022015). Collection method: clinical testing. Allele origin: germline.
Comment: This sequence change replaces glutamic acid, which is acidic and polar, with lysine, which is basic and polar, at codon 864 of the WFS1 protein (p.Glu864Lys). This variant is not present in population databases (gnomAD no frequency). This missense change has been observed in individuals with autosomal dominant Wolfram-like syndrome and nonsyndromic deafness (PMID: 16648378, 17492394, 21917145, 29529044). It has also been observed to segregate with disease in related individuals. ClinVar contains an entry for this variant (Variation ID: 4526). Invitae Evidence Modeling of protein sequence and biophysical properties (such as structural, functional, and spatial information, amino acid conservation, physicochemical variation, residue mobility, and thermodynamic stability) has been performed for this missense variant. However, the output from this modeling did not meet the statistical confidence thresholds required to predict the impact of this variant on WFS1 protein function. For these reasons, this variant has been classified as Pathogenic.

Blueprint Genetics
Classification: Pathogenic for WFS1-related disorders. Last evaluated: 2024-10-10. Review status: criteria provided, single submitter. Criteria: ACMG Guidelines, 2015. Collection method: clinical testing. Allele origin: germline. Affected: yes. Observed: 5 variant alleles.

Centre of Medical Genetics, University Hospital Muenster
Classification: Likely pathogenic. Last evaluated: 2024-04-25. Review status: criteria provided, single submitter. Criteria: ACMG Guidelines, 2015. Collection method: clinical testing. Allele origin: unknown. Affected: yes. Observed: 1 variant allele, 1 heterozygote.
Comment: ACMG categories: PS4,PM2,PP5_mod

GeneDx
Classification: Pathogenic. Last evaluated: 2023-12-06. Review status: criteria provided, single submitter. Criteria: GeneDx Variant Classification Process June 2021. Collection method: clinical testing. Allele origin: germline. Affected: yes.
Comment: Not observed at significant frequency in large population cohorts (gnomAD); In silico analysis supports that this missense variant does not alter protein structure/function; This variant is associated with the following publications: (PMID: 21917145, 34416374, 31389194, 29511163, 34997062, 16648378, 26346818, 29529044, 31600780, 17492394, 32567228, 33841295, 18544103, 28271504)

Department of Human Genetics, Hannover Medical School
Classification: Pathogenic for Autosomal dominant nonsyndromic hearing loss 6. Last evaluated: 2023-10-10. Review status: criteria provided, single submitter. Criteria: ACMG Guidelines, 2015. Collection method: clinical testing. Allele origin: germline. Inheritance: Autosomal dominant inheritance. Affected: yes.

Institute of Human Genetics, Univ. Regensburg, Univ. Regensburg
Classification: Pathogenic for Retinal dystrophy. Last evaluated: 2023-01-01. Review status: criteria provided, single submitter. Criteria: ACMG Guidelines, 2015. Collection method: clinical testing. Allele origin: germline. Affected: yes.

MGZ Medical Genetics Center
Classification: Likely pathogenic for Wolfram-like syndrome. Last evaluated: 2022-04-05. Review status: criteria provided, single submitter. Criteria: ACMG Guidelines, 2015. Collection method: clinical testing. Allele origin: germline. Affected: yes. Observed: 1 variant allele.
Comment: ACMG criteria applied: PS4, PM2_SUP, PP1, PP3

INGEBI, INGEBI / CONICET
Classification: Likely pathogenic for Nonsyndromic genetic hearing loss. Last evaluated: 2021-07-15. Review status: criteria provided, single submitter. Criteria: ClinGen HL ACMG Specifications v1. Collection method: clinical testing. Allele origin: germline. Inheritance: Autosomal dominant inheritance. Affected: yes.
Comment: Based on ACMG/AMP guidelines and Hearing Loss Expert Panel specific criteria::The c.2590 G>A variant (p.Glu864Lys) in WFS1 gene is absent in gnomAD population database meeting PM2. This variant has been identified in six probands with familial autosomal sensorineural hearing loss and the variant segregated correctly in the affected memebers of different families applying to PS4_Mod and PP1_Mod (PMID:16648378, 17492394, 20301750, 21917145, this report). In two familial cases some affected relatives presented optic atrophy and diabetes with variable onset and severity in adittion to hearing impairment. Since hearing loss is the constant feature, the other evidence sypmton is not considered. Computational evidence predicted a pathogenic impacto of the mutation to the protein (PP3). Considering all the information: PM2, PS4_Mod, PP1_Mod and PP3 the c.2590 G>A variant is classified as Likely Pathogenic for autosomal dominant hearing loss (affecting predominantly low frequencies).

Laboratory for Molecular Medicine, Mass General Brigham Personalized Medicine
Classification: Pathogenic for Rare genetic deafness. Last evaluated: 2021-01-05. Review status: criteria provided, single submitter. Criteria: LMM Criteria. Collection method: clinical testing. Allele origin: germline. Inheritance: Autosomal dominant inheritance. Observed: 4 variant alleles.
Comment: The p.Glu864Lys or c.2590G>A variant in WFS1 has been reported in ten probands with autosomal dominant hearing loss, including three families with Wolfram-like syndrome and one de novo proband. The variant segregated with disease in 15 affected individuals from eight families (Eiberg 2006 PMID: 16648378, Fukuoka 2007 PMID: 17492394, Valero 2008 PMID: 18544103, Brownstein 2011 PMID: 21917145, Moteki 2011 PMID: 26346818, Kobayashi 2018 PMID: 29529044, Guan 2020 PMID: 32567228, LMM data). It was absent from large population studies. Computational prediction tools and conservation analyses suggest that this variant may not impact the protein, though this information is not predictive enough to rule out pathogenicity. In summary, this variant meets criteria to be classified as pathogenic for autosomal dominant hearing loss. ACMG/AMP Criteria applied: PS2, PP1_Strong, PM2, PS4_Moderate, BP4.

CeGaT Center for Human Genetics Tuebingen
Classification: Pathogenic. Last evaluated: 2020-12-01. Review status: criteria provided, single submitter. Criteria: CeGaT Center For Human Genetics Tuebingen Variant Classification Criteria Version 2. Collection method: clinical testing. Allele origin: germline. Affected: yes. Observed: 3 variant alleles.

Precision Medicine Center, Zhengzhou University
Classification: Pathogenic for Autosomal dominant nonsyndromic hearing loss 6. Last evaluated: 2006-06-30. Review status: criteria provided, single submitter. Criteria: ClinGen HL ACMG Specifications v1. Collection method: clinical testing. Allele origin: paternal. Affected: yes.
Comment: PS4+PP1_strong+PM2+PM6+PP3+PP4:The WFS1 c.2590G>A variant is absent or extremely rare in population databases, including gnomAD, supporting its rarity in the general population (PM2). Multiple computational prediction algorithms consistently predict that this missense variant has a deleterious effect on protein function (PP3). The variant has been identified in multiple unrelated individuals affected with WFS1-related hearing loss, with a significantly increased prevalence compared with controls, providing strong evidence for pathogenicity (PMID: 32567228,17492394,29529044)(PS4). Segregation in five affected relatives for dominant (PMID: 29529044)(PP1_Strong).The variant has also been identified as a de novo occurrence in an affected individual, without confirmed maternity and paternity, supporting (PMID: 32567228,17492394,29529044)PM6. Furthermore, affected individuals carrying this variant presented with a phenotype highly specific for WFS1-related disease, supporting PP4. Based on the ACMG/AMP guidelines, this variant meets the criteria PS4, PP1_Strong, PM2, PM6, PP3, and PP4, and is therefore classified as Pathogenic.

Juno Genomics, Hangzhou Juno Genomics, Inc
Classification: Pathogenic for Autosomal dominant nonsyndromic hearing loss 6. Review status: criteria provided, single submitter. Criteria: ACMG Guidelines, 2015. Collection method: clinical testing. Allele origin: germline. Affected: yes.
Comment: Absent from controls (or at extremely low frequency if recessive) in Genome Aggregation Database, Exome Sequencing Project, 1000 Genomes Project, or Exome Aggregation Consortium.;Multiple lines of computational evidence support a deleterious effect on the gene or gene product (conservation, evolutionary, splicing impact, etc).;The prevalence of the variant in affected individuals is significantly increased compared to the prevalence in controls.;De novo (both maternity and paternity confirmed) in a patient with the disease and no family history.;Co-segregation with disease in multiple affected family members in a gene definitively known to cause the disease.

Clinical Genetics Laboratory, University Hospital Schleswig-Holstein
Classification: Pathogenic for Wolfram syndrome 1. Last evaluated: 2021-05-27. Review status: no assertion criteria provided. Collection method: clinical testing. Allele origin: germline. Affected: yes. Not counted in ClinVar's aggregate classification.

Laboratory of Prof. Karen Avraham, Tel Aviv University
Classification: Pathogenic for Autosomal dominant nonsyndromic hearing loss 6. Last evaluated: 2018-05-07. Review status: no assertion criteria provided. Collection method: research. Allele origin: germline. Affected: yes. Not counted in ClinVar's aggregate classification.
Comment: Dominant, postlingual, moderate-profound HL, U-shaped audiogram

OMIM
Classification: Pathogenic for WOLFRAM-LIKE SYNDROME, AUTOSOMAL DOMINANT. Last evaluated: 2008-06-01. Review status: no assertion criteria provided. Collection method: literature only. Allele origin: germline. Not counted in ClinVar's aggregate classification.

OMIM
Classification: Pathogenic for DEAFNESS, AUTOSOMAL DOMINANT 6. Last evaluated: 2008-06-01. Review status: no assertion criteria provided. Collection method: literature only. Allele origin: germline. Not counted in ClinVar's aggregate classification.

GeneReviews
No classification provided. Condition: Autosomal dominant nonsyndromic hearing loss 6. Review status: no classification provided. Collection method: literature only. Allele origin: unknown. Not counted in ClinVar's aggregate classification.

Laboratory of Prof. Karen Avraham, Tel Aviv University
Classification: Pathogenic for Autosomal dominant nonsyndromic hearing loss 6. Last evaluated: 2016-02-19. Review status: flagged submission. Collection method: research. Allele origin: germline. Affected: yes. Not counted in ClinVar's aggregate classification.
Comment: Comgenital, low-tone, U-shaped HL

NSHL; dominant, DFNA6/14/38
ClinVar note: Reason: This record appears to be redundant with a more recent record from the same submitter.
ClinVar note: Notes: SCV000282007 appears to be redundant with SCV001164300.

Literature cited by the submitters: PubMed 16648378 (cited by 6 submitters); PubMed 17492394 (cited by 5 submitters); PubMed 21917145 (cited by 5 submitters); PubMed 29529044 (cited by 4 submitters); PubMed 26346818 (cited by Institute of Human Genetics, Univ. Regensburg, Univ. Regensburg and Laboratory for Molecular Medicine, Mass General Brigham Personalized Medicine); PubMed 32567228 (cited by 3 submitters); PubMed 33841295 (cited by Institute of Human Genetics, Univ. Regensburg, Univ. Regensburg); PubMed 34416374 (cited by Institute of Human Genetics, Univ. Regensburg, Univ. Regensburg); PubMed 34997062 (cited by Institute of Human Genetics, Univ. Regensburg, Univ. Regensburg); PubMed 20301750 (cited by INGEBI, INGEBI / CONICET and GeneReviews); PubMed 18544103 (cited by Laboratory for Molecular Medicine, Mass General Brigham Personalized Medicine and OMIM); NCBI Bookshelf NBK4144 (cited by GeneReviews).

NM_006005.3(WFS1):c.2590G>A (p.Glu864Lys)

Gene: WFS1 (wolframin ER transmembrane glycoprotein; plus strand). Cytogenetic location: 4p16.1.
Variant type: single nucleotide variant.
Coding change: c.2590G>A on transcript NM_006005.3 (MANE Select); coding-DNA position 2590, G replaced by A.
Protein change: p.Glu864Lys; replaces glutamic acid 864 with lysine.
Molecular consequence: missense variant.
Genome position (GRCh38, 1-based): chr4:6,302,385, G>A. VCF-style: chr4-6302385-G-A. GRCh37 (hg19) VCF-style: chr4-6304112-G-A.
Other names: WFS1, GLU864LYS (rs74315205); c.2590G>A, p.Glu864Lys (NM_001145853.1); short protein forms E864K.
Identifiers: ClinVar variation 4526 (VCV000004526.71), dbSNP rs74315205, ClinGen allele CA116903.